The following is an entry in ClinVar:

NM_004984.4(KIF5A):c.2418G>A (p.Thr806=)

Gene: KIF5A (kinesin family member 5A; plus strand). Cytogenetic location: 12q13.3.
Variant type: single nucleotide variant.
Coding change: c.2418G>A on transcript NM_004984.4 (MANE Select); coding-DNA position 2418, G replaced by A.
Protein change: p.Thr806=; no amino-acid change (threonine 806 retained).
Molecular consequence: synonymous variant.
Genome position (GRCh38, 1-based): chr12:57,578,065, G>A. VCF-style: chr12-57578065-G-A. GRCh37 (hg19) VCF-style: chr12-57971848-G-A.
Other names: p.Thr806=; c.2151G>A, p.Thr717= (NM_001354705.2).
Identifiers: ClinVar variation 309944 (VCV000309944.50), dbSNP rs113155897, ClinGen allele CA6653106.
Genomic context (GRCh38, chr12:57,578,065, plus strand): 5'-CCAGGCCCGGGAACTCCAGACCCTCCACAACCTTCGCAAGCTGTTCGTTCAAGACGTCAC[G>A]ACTCGAGTCAAGAAAGTGAGTGCTGTCCTTGGGGTTTTGTCAGCCCCCACATCCTCCTCC-3'
Protein context (NP_004975.2, residues 796-816): NLRKLFVQDV[Thr806=]TRVKKSAEME

ClinVar aggregate classification (germline): Benign/Likely benign. Review status: criteria provided, multiple submitters, no conflicts (2 of 4 stars). 12 submissions from 12 submitters: Benign (4); Likely benign (5). 3 of the submissions do not count toward it. Last evaluated 2026-08-01.

Conditions:
Spastic paraplegia. Identifiers: MedGen C0037772, HP:0001258.
Hereditary spastic paraplegia. Also called: Familial spastic paraparesis. Identifiers: Orphanet 685, MedGen C0037773, MONDO:0019064. Disease mechanism: loss of function.
Hereditary spastic paraplegia 10 (SPG10). Also called: SPASTIC PARAPLEGIA 10, AUTOSOMAL DOMINANT; SPASTIC PARAPLEGIA 10 WITH OR WITHOUT PERIPHERAL NEUROPATHY; SPASTIC PARAPLEGIA 10 WITH PERIPHERAL NEUROPATHY. Identifiers: Orphanet 100991, MedGen C1858712, MONDO:0011408, OMIM 604187.
KIF5A-related disorder. Also called: KIF5A-related condition; KIF5A-related disorders.

Allele frequency attached by ClinVar (database versions not stated): 1000 Genomes Project 30x 0.00031; 1000 Genomes Project 0.00040; ESP Exome Variant Server 0.00085; TOPMed 0.00093; gnomAD 0.00095 and 0.00100.
gnomAD v4.1: 2,313 of 1,614,026 alleles (0.14%); highest among the groups gnomAD compares: Non-Finnish European, 0.19%; 5 homozygotes.

Submissions (12):

CeGaT Center for Human Genetics Tuebingen
Classification: Likely benign. Last evaluated: 2026-08-01. Review status: criteria provided, single submitter. Criteria: CeGaT Center For Human Genetics Tuebingen Variant Classification Criteria Version 2. Collection method: clinical testing. Allele origin: germline. Affected: yes. Observed: 10 variant alleles.
Comment: KIF5A: BP4, BS1

Women's Health and Genetics/Laboratory Corporation of America, LabCorp
Classification: Likely benign. Last evaluated: 2026-04-28. Review status: criteria provided, single submitter. Criteria: LabCorp Variant Classification Summary - May 2015. Collection method: clinical testing. Allele origin: germline.

Labcorp Genetics (formerly Invitae), Labcorp
Classification: Benign for Spastic paraplegia. Last evaluated: 2026-02-02. Review status: criteria provided, single submitter. Criteria: Invitae Variant Classification Sherloc (09022015). Collection method: clinical testing. Allele origin: germline.

Laboratory of Genetics, Children's Clinical University Hospital Latvia
Classification: Likely benign. Last evaluated: 2025-02-16. Review status: criteria provided, single submitter. Criteria: ACMG Guidelines, 2015. Collection method: clinical testing. Allele origin: germline. Affected: yes.

Blueprint Genetics
Classification: Likely benign. Last evaluated: 2024-09-10. Review status: criteria provided, single submitter. Criteria: ACMG Guidelines, 2015. Collection method: clinical testing. Allele origin: germline.

Mayo Clinic Laboratories, Mayo Clinic
Classification: Benign. Last evaluated: 2024-06-24. Review status: criteria provided, single submitter. Criteria: ACMG Guidelines, 2015. Collection method: clinical testing. Allele origin: germline. Observed: 15 variant alleles.
Comment: BS1, BS2, BP4, BP7

Genome Diagnostics Laboratory, The Hospital for Sick Children
Classification: Likely benign for Hereditary spastic paraplegia. Last evaluated: 2020-02-01. Review status: criteria provided, single submitter. Criteria: ACMG Guidelines, 2015. Collection method: clinical testing. Allele origin: germline. Affected: yes.

GeneDx
Classification: Benign. Last evaluated: 2019-06-06. Review status: criteria provided, single submitter. Criteria: GeneDx Variant Classification Process June 2021. Collection method: clinical testing. Allele origin: germline. Affected: yes.

Illumina Laboratory Services, Illumina
Classification: Benign for Hereditary spastic paraplegia 10. Last evaluated: 2018-01-12. Review status: criteria provided, single submitter. Criteria: ICSL Variant Classification Criteria 13 December 2019. Collection method: clinical testing. Allele origin: germline.
Comment: This variant was observed in the ICSL laboratory as part of a predisposition screen in an ostensibly healthy population. It had not been previously curated by ICSL or reported in the Human Gene Mutation Database (HGMD: prior to June 1st, 2018), and was therefore a candidate for classification through an automated scoring system. Utilizing variant allele frequency, disease prevalence and penetrance estimates, and inheritance mode, an automated score was calculated to assess if this variant is too frequent to cause the disease. Based on the score and internal cut-off values, a variant classified as benign is not then subjected to further curation. The score for this variant resulted in a classification of benign for this disease.

PreventionGenetics, part of Exact Sciences
Classification: Likely benign for KIF5A-related condition. Last evaluated: 2019-08-20. Review status: no assertion criteria provided. Collection method: clinical testing. Allele origin: germline. Not counted in ClinVar's aggregate classification.
Comment: This variant is classified as likely benign based on ACMG/AMP sequence variant interpretation guidelines (Richards et al. 2015 PMID: 25741868, with internal and published modifications).

Clinical Genetics, Academic Medical Center
Classification: Likely benign. Review status: no assertion criteria provided. Collection method: clinical testing. Allele origin: germline. Affected: yes. Study: VKGL Data-share Consensus. Not counted in ClinVar's aggregate classification.

Genome Diagnostics Laboratory, University Medical Center Utrecht
Classification: Likely benign. Review status: no assertion criteria provided. Collection method: clinical testing. Allele origin: germline. Affected: yes. Study: VKGL Data-share Consensus. Not counted in ClinVar's aggregate classification.